The following is an entry in ClinVar:

ClinVar aggregate classification (germline): Uncertain significance (1 of 4 stars; one submission).

Conditions:
Mast syndrome. Also called: SPASTIC PARAPLEGIA 21, AUTOSOMAL RECESSIVE. Identifiers: Orphanet 101001, MedGen C1855346, MONDO:0009568, OMIM 248900.

Submission:

Labcorp Genetics (formerly Invitae), Labcorp
Classification: Uncertain significance for Mast syndrome. Last evaluated: 2018-07-13. Review status: criteria provided, single submitter. Criteria: Invitae Variant Classification Sherloc (09022015). Collection method: clinical testing. Allele origin: germline.
Comment: In summary, the available evidence is currently insufficient to determine the role of this variant in disease. Therefore, it has been classified as a Variant of Uncertain Significance. Algorithms developed to predict the effect of missense changes on protein structure and function are either unavailable or do not agree on the potential impact of this missense change (SIFT: "Deleterious"; PolyPhen-2: "Benign"; Align-GVGD: "Class C65"). This variant has not been reported in the literature in individuals with SPG21-related disease. This variant is not present in population databases (ExAC no frequency). This sequence change replaces arginine with threonine at codon 247 of the SPG21 protein (p.Arg247Thr). The arginine residue is highly conserved and there is a moderate physicochemical difference between arginine and threonine.

NM_016630.7(SPG21):c.740G>C (p.Arg247Thr)

Gene: SPG21 (SPG21 abhydrolase domain containing, maspardin; minus strand). Cytogenetic location: 15q22.31.
Variant type: single nucleotide variant.
Coding change: c.740G>C on transcript NM_016630.7 (MANE Select); coding-DNA position 740, G replaced by C.
Protein change: p.Arg247Thr; replaces arginine 247 with threonine.
Molecular consequence: missense variant.
Genome position (GRCh38, 1-based): chr15:64,965,390, C>G on the plus strand (G>C on the coding strand, the complement: SPG21 is on the minus strand). VCF-style: chr15-64965390-C-G. GRCh37 (hg19) VCF-style: chr15-65257731-C-G.
Other names: c.740G>C, p.Arg247Thr (NM_001127889.5); c.659G>C, p.Arg220Thr (NM_001127890.5); short protein forms R220T, R247T.
Identifiers: ClinVar variation 654554 (VCV000654554.9), dbSNP rs1595866120, ClinGen allele CA392864781.